The following is an entry in ClinVar:

ClinVar aggregate classification (germline): Uncertain significance. Review status: criteria provided, multiple submitters, no conflicts (2 of 4 stars). 2 submissions from 2 submitters: Uncertain significance (2). Last evaluated 2024-06-01.

Conditions:
Generalized epilepsy-paroxysmal dyskinesia syndrome (PNKD3). Also called: Generalized epilepsy and paroxysmal dyskinesia; Paroxysmal nonkinesigenic dyskinesia, 3, with or without generalized epilepsy. Identifiers: Orphanet 79137, MedGen C5574945, MONDO:0012276, OMIM 609446.

Allele frequency attached by ClinVar (database versions not stated): TOPMed below 0.00001.

Submissions (2):

CeGaT Center for Human Genetics Tuebingen
Classification: Uncertain significance. Last evaluated: 2024-06-01. Review status: criteria provided, single submitter. Criteria: CeGaT Center For Human Genetics Tuebingen Variant Classification Criteria Version 2. Collection method: clinical testing. Allele origin: germline. Affected: yes. Observed: 1 variant allele.
Comment: KCNMA1: PM2, PP2

Labcorp Genetics (formerly Invitae), Labcorp
Classification: Uncertain significance for Generalized epilepsy-paroxysmal dyskinesia syndrome. Last evaluated: 2022-05-03. Review status: criteria provided, single submitter. Criteria: Invitae Variant Classification Sherloc (09022015). Collection method: clinical testing. Allele origin: germline.
Comment: In summary, the available evidence is currently insufficient to determine the role of this variant in disease. Therefore, it has been classified as a Variant of Uncertain Significance. Algorithms developed to predict the effect of missense changes on protein structure and function (SIFT, PolyPhen-2, Align-GVGD) all suggest that this variant is likely to be tolerated. ClinVar contains an entry for this variant (Variation ID: 1022434). This variant has not been reported in the literature in individuals affected with KCNMA1-related conditions. This variant is not present in population databases (gnomAD no frequency). This sequence change replaces methionine, which is neutral and non-polar, with valine, which is neutral and non-polar, at codon 95 of the KCNMA1 protein (p.Met95Val).

NM_001161352.2(KCNMA1):c.283A>G (p.Met95Val)

Gene: KCNMA1 (potassium calcium-activated channel subfamily M alpha 1; minus strand). Cytogenetic location: 10q22.3.
Variant type: single nucleotide variant.
Coding change: c.283A>G on transcript NM_001161352.2 (MANE Select); coding-DNA position 283, A replaced by G.
Protein change: p.Met95Val; replaces methionine 95 with valine.
Molecular consequence: missense variant.
Genome position (GRCh38, 1-based): chr10:77,637,360, T>C on the plus strand (A>G on the coding strand, the complement: KCNMA1 is on the minus strand). VCF-style: chr10-77637360-T-C. GRCh37 (hg19) VCF-style: chr10-79397118-T-C.
Other names: c.283A>G, p.Met95Val (NM_001322839.2, NM_002247.4, NM_001014797.3 and 12 more transcripts); short protein forms M95V.
Identifiers: ClinVar variation 1022434 (VCV001022434.27), dbSNP rs762347754, ClinGen allele CA377412379.